The following is an entry in ClinVar:

NM_001231.5(CASQ1):c.89C>A (p.Ser30Ter)

Gene: CASQ1 (calsequestrin 1; plus strand). Cytogenetic location: 1q23.2.
Variant type: single nucleotide variant.
Coding change: c.89C>A on transcript NM_001231.5 (MANE Select); coding-DNA position 89, C replaced by A.
Protein change: p.Ser30Ter; replaces serine 30 with a stop codon.
Molecular consequence: nonsense.
Genome position (GRCh38, 1-based): chr1:160,190,840, C>A. VCF-style: chr1-160190840-C-A. GRCh37 (hg19) VCF-style: chr1-160160630-C-A.
Other names: short protein forms S30*.
Identifiers: ClinVar variation 1438875 (VCV001438875.6), dbSNP rs757491241, ClinGen allele CA1196070.

ClinVar aggregate classification (germline): Uncertain significance (1 of 4 stars; one submission).

Allele frequency attached by ClinVar (database versions not stated): gnomAD exomes below 0.00001 and 0.00002; ExAC 0.00002; gnomAD 0.00003 and 0.00004; TOPMed 0.00003.
gnomAD v4.1: 10 of 1,614,046 alleles (0.00062%); highest among the groups gnomAD compares: Middle Eastern, 0.016%; no homozygotes.

Submission:

Labcorp Genetics (formerly Invitae), Labcorp
Classification: Uncertain significance. Last evaluated: 2024-03-26. Review status: criteria provided, single submitter. Criteria: Invitae Variant Classification Sherloc (09022015). Collection method: clinical testing. Allele origin: germline.
Comment: This sequence change creates a premature translational stop signal (p.Ser30*) in the CASQ1 gene. It is expected to result in an absent or disrupted protein product. However, the current clinical and genetic evidence is not sufficient to establish whether loss-of-function variants in CASQ1 cause disease. This variant is present in population databases (rs757491241, gnomAD 0.02%). This variant has not been reported in the literature in individuals affected with CASQ1-related conditions. ClinVar contains an entry for this variant (Variation ID: 1438875). In summary, the available evidence is currently insufficient to determine the role of this variant in disease. Therefore, it has been classified as a Variant of Uncertain Significance.